The following is an entry in ClinVar:

ClinVar aggregate classification (germline): Likely pathogenic (1 of 4 stars; one submission).

Conditions:
Polycystic kidney disease, adult type (PKD1). Also called: POLYCYSTIC KIDNEY DISEASE 1 WITH OR WITHOUT POLYCYSTIC LIVER DISEASE; POLYCYSTIC KIDNEY DISEASE, ADULT, TYPE I; Polycystic Kidney Disease 1, Autosomal Dominant; Polycystic kidney disease 1; Polycystic kidney disease 1, severe; Polycystic Kidney, Autosomal Dominant. Identifiers: MedGen C3149841, MONDO:0008263, OMIM 173900.

Submission:

Fulgent Genetics
Classification: Likely pathogenic for Polycystic kidney disease, adult type. Last evaluated: 2021-06-30. Review status: criteria provided, single submitter. Criteria: ACMG Guidelines, 2015. Collection method: clinical testing. Allele origin: unknown.
Comment: This variant has been detected in individual(s) who were sent for testing of Renasight - kidney gene panel.

NM_001009944.3(PKD1):c.8263del (p.Asn2754_Leu2755insTer)

Gene: PKD1 (polycystin 1, transient receptor potential channel interacting; minus strand). Cytogenetic location: 16p13.3.
Variant type: Deletion.
Coding change: c.8263del on transcript NM_001009944.3 (MANE Select); coding-DNA position 8263, one base deleted (C; older notation c.8263delC).
Protein change: p.Asn2754_Leu2755insTer.
Molecular consequence: nonsense.
Genome position (GRCh38, 1-based): chr16:2,103,794, G deleted on the plus strand (C on the coding strand, the reverse complement: PKD1 is on the minus strand); the first of 2 consecutive G bases (chr16:2,103,794-2,103,795); deleting either gives the same sequence. VCF-style (leftmost placement, unchanged base first): chr16-2103793-AG-A. GRCh37 (hg19) VCF-style: chr16-2153794-AG-A.
Other names: c.8263del, p.Asn2754_Leu2755insTer (NM_000296.4).
Identifiers: ClinVar variation 1179175 (VCV001179175.2), dbSNP rs2151756041, ClinGen allele CA2499223377.
Genomic context (GRCh38, chr16:2,103,793, plus strand): 5'-GTCAGGGGCTCCTCGTTGAGCACGCGGGAGCGCATGAGGATGCGCATGAGGGCAGAGGTC[AG>A]GTTGTAGGCCTGGGACGCCACCATCCGAGATGGTGACTCGGCTCCCAGCTCTGAGGGCTG-3'